The following is an entry in ClinVar:

ClinVar aggregate classification (germline): Uncertain significance (1 of 4 stars; one submission).

Conditions:
Hereditary cancer-predisposing syndrome. Also called: Hereditary neoplastic syndrome; Tumor predisposition; Neoplastic Syndromes, Hereditary; Hereditary Cancer Syndrome. Identifiers: Orphanet 140162, MedGen C0027672, MeSH D009386, MONDO:0015356.

Submission:

Labcorp Genetics (formerly Invitae), Labcorp
Classification: Uncertain significance for Hereditary cancer-predisposing syndrome. Last evaluated: 2019-08-14. Review status: criteria provided, single submitter. Criteria: Invitae Variant Classification Sherloc (09022015). Collection method: clinical testing. Allele origin: germline.
Comment: This variant is not present in population databases (ExAC no frequency). This variant has not been reported in the literature in individuals with RAD50-related conditions. Algorithms developed to predict the effect of missense changes on protein structure and function are either unavailable or do not agree on the potential impact of this missense change (SIFT: "Tolerated"; PolyPhen-2: "Possibly Damaging"; Align-GVGD: "Class C0"). In summary, the available evidence is currently insufficient to determine the role of this variant in disease. Therefore, it has been classified as a Variant of Uncertain Significance. This sequence change replaces serine with proline at codon 1257 of the RAD50 protein (p.Ser1257Pro). The serine residue is moderately conserved and there is a moderate physicochemical difference between serine and proline.

NM_005732.4(RAD50):c.3769T>C (p.Ser1257Pro)

Genes: TH2LCRR (T helper type 2 locus control region associated RNA; minus strand), RAD50 (RAD50 double strand break repair protein; plus strand), TH2-LCR (Th2 cytokine locus control region; plus strand). Cytogenetic location: 5q31.1.
Variant type: single nucleotide variant.
Coding change: c.3769T>C on transcript NM_005732.4 (MANE Select); coding-DNA position 3769, T replaced by C.
Protein change: p.Ser1257Pro; replaces serine 1257 with proline.
Molecular consequence: missense variant.
Genome position (GRCh38, 1-based): chr5:132,642,194, T>C. VCF-style: chr5-132642194-T-C. GRCh37 (hg19) VCF-style: chr5-131977886-T-C.
Other names: short protein forms S1257P.
Identifiers: ClinVar variation 954365 (VCV000954365.10), dbSNP rs786201205, ClinGen allele CA360935646.